The following is an entry in ClinVar:

NM_001386298.1(CIC):c.6428C>T (p.Pro2143Leu)

Gene: CIC (capicua transcriptional repressor; plus strand). Cytogenetic location: 19q13.2.
Variant type: single nucleotide variant.
Coding change: c.6428C>T on transcript NM_001386298.1 (MANE Select); coding-DNA position 6428, C replaced by T.
Protein change: p.Pro2143Leu; replaces proline 2143 with leucine.
Molecular consequence: missense variant.
Genome position (GRCh38, 1-based): chr19:42,293,187, C>T. VCF-style: chr19-42293187-C-T. GRCh37 (hg19) VCF-style: chr19-42797339-C-T.
Other names: c.6428C>T, p.Pro2143Leu (NM_001379483.1, NM_001304815.2, NM_001379482.1); c.3701C>T, p.Pro1234Leu (NM_001379484.1, NM_001379485.1, NM_015125.5); c.6425C>T, p.Pro2142Leu (NM_001379480.1); short protein forms P1234L, P2142L, P2143L.
Identifiers: ClinVar variation 2650010 (VCV002650010.24), dbSNP rs775887472, ClinGen allele CA9472702.
Genomic context (GRCh38, chr19:42,293,187, plus strand): 5'-GAGAGCCAACTGCCCCAGAGTCTGAGCTTGAGGGGCAGCCCACACCACCAGCCCCTCCAC[C>T]CCTGCCAGAGACCTGGACTCCCACGGCCCGGAGCAGCCCCCCACTGCCCCCACCTGCTGA-3'
Protein context (NP_001373227.1, residues 2133-2153): EGQPTPPAPP[Pro2143Leu]LPETWTPTAR

ClinVar aggregate classification (germline): Likely benign (1 of 4 stars; one submission).

Allele frequency attached by ClinVar (database versions not stated): TOPMed below 0.00001; gnomAD exomes 0.00001; ExAC 0.00002.
gnomAD v4.1: 11 of 1,602,040 alleles (0.00069%); highest among the groups gnomAD compares: Non-Finnish European, 0.00085%; no homozygotes.

Submission:

CeGaT Center for Human Genetics Tuebingen
Classification: Likely benign. Last evaluated: 2023-05-01. Review status: criteria provided, single submitter. Criteria: CeGaT Center For Human Genetics Tuebingen Variant Classification Criteria Version 2. Collection method: clinical testing. Allele origin: germline. Affected: yes. Observed: 1 variant allele.
Comment: CIC: BP4